The following is an entry in ClinVar:

ClinVar aggregate classification (germline): Benign/Likely benign. Review status: criteria provided, multiple submitters, no conflicts (2 of 4 stars). 3 submissions from 3 submitters: Benign (1); Likely benign (2). Last evaluated 2025-08-18.

Conditions:
Familial cancer of breast. Also called: hereditary breast carcinoma; BREAST CANCER, FAMILIAL; Hereditary breast cancer. Identifiers: Orphanet 227535, MedGen C0346153, MONDO:0016419, OMIM 114480. Disease mechanism: loss of function.
Hereditary cancer-predisposing syndrome. Also called: Neoplastic Syndromes, Hereditary; Tumor predisposition; Hereditary Cancer Syndrome; Hereditary neoplastic syndrome. Identifiers: Orphanet 140162, MedGen C0027672, MeSH D009386, MONDO:0015356.
Ataxia-telangiectasia syndrome (AT). Also called: ATAXIA-TELANGIECTASIA, COMPLEMENTATION GROUP A; ATAXIA-TELANGIECTASIA, FRESNO VARIANT; Ataxia-telangiectasia; Ataxia-telangiectasia, complementation group D; AT, COMPLEMENTATION GROUP C; Ataxia-telangiectasia, complementation group E. Identifiers: Orphanet 100, MedGen C0004135, MONDO:0008840, OMIM 208900.

Submissions (3):

Labcorp Genetics (formerly Invitae), Labcorp
Classification: Likely benign for Ataxia-telangiectasia syndrome. Last evaluated: 2025-08-18. Review status: criteria provided, single submitter. Criteria: Invitae Variant Classification Sherloc (09022015). Collection method: clinical testing. Allele origin: germline.

Myriad Genetics, Inc.
Classification: Benign for Familial cancer of breast. Last evaluated: 2024-05-14. Review status: criteria provided, single submitter. Criteria: Myriad Autosomal Dominant, Autosomal Recessive and X-Linked Classification Criteria (2023). Collection method: clinical testing. Allele origin: unknown.
Comment: This variant is considered benign. This variant is a silent/synonymous amino acid change and it is not expected to impact splicing.

Color Diagnostics, LLC DBA Color Health
Classification: Likely benign for Hereditary cancer-predisposing syndrome. Last evaluated: 2019-03-12. Review status: criteria provided, single submitter. Criteria: ACMG Guidelines, 2015. Collection method: clinical testing. Allele origin: germline.

NM_000051.4(ATM):c.3225A>G (p.Thr1075=)

Gene: ATM (ATM serine/threonine kinase; plus strand). Cytogenetic location: 11q22.3.
Variant type: single nucleotide variant.
Coding change: c.3225A>G on transcript NM_000051.4 (MANE Select); coding-DNA position 3225, A replaced by G.
Protein change: p.Thr1075=; no amino-acid change (threonine 1075 retained).
Molecular consequence: synonymous variant.
Genome position (GRCh38, 1-based): chr11:108,272,793, A>G. VCF-style: chr11-108272793-A-G. GRCh37 (hg19) VCF-style: chr11-108143520-A-G.
Other names: c.3225A>G, p.Thr1075= (NM_001351834.2).
Identifiers: ClinVar variation 524428 (VCV000524428.11), dbSNP rs1555086107, ClinGen allele CA476745121.